The following is an entry in ClinVar:

ClinVar aggregate classification (germline): Conflicting classifications of pathogenicity. Review status: criteria provided, conflicting classifications (1 of 4 stars). 6 submissions from 6 submitters: Uncertain significance (1); Benign (1); Likely benign (1). 3 of the submissions do not count toward it. Last evaluated 2025-07-21.

Conditions:
MACF1-related disorder. Also called: MACF1-related condition.

Allele frequency attached by ClinVar (database versions not stated): ExAC 0.00023; gnomAD exomes 0.00025; ESP Exome Variant Server 0.00054.
gnomAD v4.1: 884 of 1,613,974 alleles (0.055%); highest among the groups gnomAD compares: Non-Finnish European, 0.072%; no homozygotes.

Submissions (7):

GeneDx
Classification: Uncertain significance. Last evaluated: 2025-07-21. Review status: criteria provided, single submitter. Criteria: GeneDx Variant Classification Process June 2021. Collection method: clinical testing. Allele origin: germline.
Comment: In silico analysis supports that this missense variant has a deleterious effect on protein structure/function; Has not been previously published as pathogenic or benign to our knowledge; This variant is associated with the following publications: (PMID: 24893065, 32010038)

Blueprint Genetics
Classification: Likely benign. Last evaluated: 2024-10-31. Review status: criteria provided, single submitter. Criteria: ACMG Guidelines, 2015. Collection method: clinical testing. Allele origin: germline.

Labcorp Genetics (formerly Invitae), Labcorp
Classification: Benign. Last evaluated: 2024-10-29. Review status: criteria provided, single submitter. Criteria: Invitae Variant Classification Sherloc (09022015). Collection method: clinical testing. Allele origin: germline.

PreventionGenetics, part of Exact Sciences
Classification: Likely benign for MACF1-related condition. Last evaluated: 2023-11-28. Review status: no assertion criteria provided. Collection method: clinical testing. Allele origin: germline. Not counted in ClinVar's aggregate classification.
Comment: This variant is classified as likely benign based on ACMG/AMP sequence variant interpretation guidelines (Richards et al. 2015 PMID: 25741868, with internal and published modifications).

Clinical Genetics DNA and cytogenetics Diagnostics Lab, Erasmus MC, Erasmus Medical Center
Classification: Uncertain significance. Review status: no assertion criteria provided. Collection method: clinical testing. Allele origin: germline. Affected: yes. Study: VKGL Data-share Consensus. Not counted in ClinVar's aggregate classification.

Diagnostic Laboratory, Department of Genetics, University Medical Center Groningen
Classification: Uncertain significance. Review status: no assertion criteria provided. Collection method: clinical testing. Allele origin: germline. Affected: yes. Study: VKGL Data-share Consensus. Not counted in ClinVar's aggregate classification.

Dr. Peter K. Rogan Lab, Western University
No classification provided (evidence only). Condition: Clear cell carcinoma of kidney. Review status: no classification provided. Collection method: in vitro. Allele origin: not applicable. Functional consequence: retained intron. Not counted in ClinVar's aggregate classification.

NM_001394062.1(MACF1):c.15226C>G (p.Leu5076Val)

Gene: MACF1 (microtubule actin crosslinking factor 1; plus strand). Cytogenetic location: 1p34.3.
Variant type: single nucleotide variant.
Coding change: c.15226C>G on transcript NM_001394062.1 (MANE Select); coding-DNA position 15226, C replaced by G.
Protein change: p.Leu5076Val; replaces leucine 5076 with valine.
Molecular consequence: missense variant.
Genome position (GRCh38, 1-based): chr1:39,388,068, C>G. VCF-style: chr1-39388068-C-G. GRCh37 (hg19) VCF-style: chr1-39853740-C-G.
Other names: c.9040C>G, p.Leu3014Val (NM_012090.5); short protein forms L3014V, L5076V.
Identifiers: ClinVar variation 1299859 (VCV001299859.10), dbSNP rs144367111, ClinGen allele CA782362.
Genomic context (GRCh38, chr1:39,388,068, plus strand): 5'-CAGGAAGTGCTGCAGGCCCTAGAGCCTCAGGTAGACTATCTGAGGAACTTTACTCAGGGT[C>G]TGGTAGAAGATGCCCCAGATGGATCTGATGCTTCTCAACTTCTCCACCAAGCTGAGGTCG-3'
Protein context (NP_001380991.1, residues 5066-5086): VDYLRNFTQG[Leu5076Val]VEDAPDGSDA